The following is an entry in ClinVar:

ClinVar aggregate classification (germline): Uncertain significance. Review status: criteria provided, multiple submitters, no conflicts (2 of 4 stars). 2 submissions from 2 submitters: Uncertain significance (2). Last evaluated 2024-05-31.

Conditions:
Angelman syndrome (AS). Also called: HAPPY PUPPET SYNDROME. Identifiers: Orphanet 72, MedGen C0162635, MONDO:0007113, OMIM 105830. Disease mechanism: loss of function. Inheritance: imprinting disorder, AS is caused by disruption of maternally imprinted UBE3A located within the 15q11.2-q13 Angelman syndrome/Prader-Willi syndrome (AS/PWS) region..

Allele frequency attached by ClinVar (database versions not stated): gnomAD exomes below 0.00001 and 0.00001; ExAC 0.00003; TOPMed 0.00003; gnomAD 0.00004 and 0.00005; ESP Exome Variant Server 0.00008; 1000 Genomes Project 30x 0.00016; 1000 Genomes Project 0.00020.
gnomAD v4.1: 8 of 1,614,180 alleles (0.0005%); highest among the groups gnomAD compares: African/African-American, 0.011%; no homozygotes.

Submissions (2):

GeneDx
Classification: Uncertain significance. Last evaluated: 2024-05-31. Review status: criteria provided, single submitter. Criteria: GeneDx Variant Classification Process June 2021. Collection method: clinical testing. Allele origin: germline. Affected: yes.
Comment: In silico analysis indicates that this missense variant does not alter protein structure/function; Has not been previously published as pathogenic or benign to our knowledge

Labcorp Genetics (formerly Invitae), Labcorp
Classification: Uncertain significance for Angelman syndrome. Last evaluated: 2023-12-23. Review status: criteria provided, single submitter. Criteria: Invitae Variant Classification Sherloc (09022015). Collection method: clinical testing. Allele origin: germline.
Comment: This sequence change replaces methionine, which is neutral and non-polar, with leucine, which is neutral and non-polar, at codon 316 of the UBE3A protein (p.Met316Leu). This variant is present in population databases (rs372526793, gnomAD 0.02%). This variant has not been reported in the literature in individuals affected with UBE3A-related conditions. ClinVar contains an entry for this variant (Variation ID: 857446). Advanced modeling of protein sequence and biophysical properties (such as structural, functional, and spatial information, amino acid conservation, physicochemical variation, residue mobility, and thermodynamic stability) performed at Invitae indicates that this missense variant is not expected to disrupt UBE3A protein function with a negative predictive value of 95%. In summary, the available evidence is currently insufficient to determine the role of this variant in disease. Therefore, it has been classified as a Variant of Uncertain Significance.

NM_130839.5(UBE3A):c.1006A>C (p.Met336Leu)

Genes: SNHG14 (small nucleolar RNA host gene 14; plus strand), UBE3A (ubiquitin protein ligase E3A; minus strand). Cytogenetic location: 15q11.2.
Variant type: single nucleotide variant.
Coding change: c.1006A>C on transcript NM_130839.5 (MANE Select); coding-DNA position 1006, A replaced by C.
Protein change: p.Met336Leu; replaces methionine 336 with leucine.
Molecular consequence: missense variant. On other transcripts: non-coding transcript variant (1), intron variant (2).
Genome position (GRCh38, 1-based): chr15:25,371,168, T>G on the plus strand (A>C on the coding strand, the complement: UBE3A is on the minus strand). VCF-style: chr15-25371168-T-G. GRCh37 (hg19) VCF-style: chr15-25616315-T-G.
Other names: c.1015A>C, p.Met339Leu (NM_000462.5); c.1006A>C, p.Met336Leu (NM_001354505.1, NM_001354538.2, NM_001354545.2); c.946A>C, p.Met316Leu (NM_001354506.2, NM_001354507.2, NM_001354508.2 and 17 more transcripts); c.829A>C, p.Met277Leu (NM_001354546.2); c.301+4297A>C (NM_001354551.2); c.361+4297A>C (NM_001354550.2); short protein forms M277L, M336L, M316L, M339L.
Identifiers: ClinVar variation 857446 (VCV000857446.12), dbSNP rs372526793, ClinGen allele CA7435571.